The following is an entry in ClinVar:

ClinVar aggregate classification (germline): Likely benign. Review status: criteria provided, single submitter (1 of 4 stars). 2 submissions from 2 submitters: Likely benign (1). 1 of the submissions does not count toward it. Last evaluated 2026-02-03.

Conditions:
SLC26A3-related disorder. Also called: SLC26A3-related condition.

Allele frequency attached by ClinVar (database versions not stated): gnomAD exomes 0.00008 and 0.00013; ExAC 0.00015; ESP Exome Variant Server 0.00046; gnomAD 0.00046 and 0.00047; 1000 Genomes Project 0.00060; 1000 Genomes Project 30x 0.00094.
gnomAD v4.1: 192 of 1,614,098 alleles (0.012%); highest among the groups gnomAD compares: African/African-American, 0.17%; no homozygotes.

Submissions (2):

Labcorp Genetics (formerly Invitae), Labcorp
Classification: Likely benign. Last evaluated: 2026-02-03. Review status: criteria provided, single submitter. Criteria: Invitae Variant Classification Sherloc (09022015). Collection method: clinical testing. Allele origin: germline.

PreventionGenetics, part of Exact Sciences
Classification: Likely benign for SLC26A3-related condition. Last evaluated: 2024-09-16. Review status: no assertion criteria provided. Collection method: clinical testing. Allele origin: germline. Not counted in ClinVar's aggregate classification.
Comment: This variant is classified as likely benign based on ACMG/AMP sequence variant interpretation guidelines (Richards et al. 2015 PMID: 25741868, with internal and published modifications).

NM_000111.3(SLC26A3):c.530C>T (p.Ala177Val)

Gene: SLC26A3 (solute carrier family 26 member 3; minus strand). Cytogenetic location: 7q22.3.
Variant type: single nucleotide variant.
Coding change: c.530C>T on transcript NM_000111.3 (MANE Select); coding-DNA position 530, C replaced by T.
Protein change: p.Ala177Val; replaces alanine 177 with valine.
Molecular consequence: missense variant.
Genome position (GRCh38, 1-based): chr7:107,791,088, G>A on the plus strand (C>T on the coding strand, the complement: SLC26A3 is on the minus strand). VCF-style: chr7-107791088-G-A. GRCh37 (hg19) VCF-style: chr7-107431533-G-A.
Other names: c.530C>T (NM_000111.2); short protein forms A177V.
Identifiers: ClinVar variation 1115327 (VCV001115327.10), dbSNP rs147974764, ClinGen allele CA4434104.